The following is an entry in ClinVar:

ClinVar aggregate classification (germline): Benign. Review status: criteria provided, multiple submitters, no conflicts (2 of 4 stars). 3 submissions from 3 submitters: Benign (3). Last evaluated 2018-06-29.

Conditions:
COG7 congenital disorder of glycosylation (CDG2E). Also called: CONGENITAL DISORDER OF GLYCOSYLATION, TYPE IIe; CDG IIe. Identifiers: Orphanet 79333, MedGen C2931010, MONDO:0012118, OMIM 608779.

Allele frequency attached by ClinVar (database versions not stated): gnomAD exomes 0.21257; gnomAD 0.31123 and 0.31336; TOPMed 0.31806; 1000 Genomes Project 0.36102; 1000 Genomes Project 30x 0.36212.
gnomAD v4.1: 228,349 of 1,001,030 alleles (23%); highest among the groups gnomAD compares: African/African-American, 53%; 30,611 homozygotes.

Submissions (3):

GeneDx
Classification: Benign. Last evaluated: 2018-06-29. Review status: criteria provided, single submitter. Criteria: GeneDx Variant Classification Process June 2021. Collection method: clinical testing. Allele origin: germline. Affected: yes.

Illumina Laboratory Services, Illumina
Classification: Benign for COG7 congenital disorder of glycosylation. Last evaluated: 2018-01-12. Review status: criteria provided, single submitter. Criteria: ICSL Variant Classification Criteria 13 December 2019. Collection method: clinical testing. Allele origin: germline.
Comment: This variant was observed in the ICSL laboratory as part of a predisposition screen in an ostensibly healthy population. It had not been previously curated by ICSL or reported in the Human Gene Mutation Database (HGMD: prior to June 1st, 2018), and was therefore a candidate for classification through an automated scoring system. Utilizing variant allele frequency, disease prevalence and penetrance estimates, and inheritance mode, an automated score was calculated to assess if this variant is too frequent to cause the disease. Based on the score and internal cut-off values, a variant classified as benign is not then subjected to further curation. The score for this variant resulted in a classification of benign for this disease.

Breakthrough Genomics
Classification: Benign. Review status: criteria provided, single submitter. Criteria: ACMG Guidelines, 2015. Collection method: not provided. Allele origin: germline. Inheritance: Autosomal recessive inheritance. Affected: yes.

NM_153603.4(COG7):c.*187A>G

Gene: COG7 (component of oligomeric golgi complex 7; minus strand). Cytogenetic location: 16p12.2.
Variant type: single nucleotide variant.
Coding change: c.*187A>G on transcript NM_153603.4 (MANE Select); 187 bases downstream of the stop codon, A replaced by G.
Molecular consequence: 3 prime UTR variant.
Genome position (GRCh38, 1-based): chr16:23,388,733, T>C on the plus strand (A>G on the coding strand, the complement: COG7 is on the minus strand). VCF-style: chr16-23388733-T-C. GRCh37 (hg19) VCF-style: chr16-23400054-T-C.
Identifiers: ClinVar variation 318458 (VCV000318458.8), dbSNP rs250588, ClinGen allele CA10637376.
Genomic context (GRCh38, chr16:23,388,733, plus strand): 5'-TGTATTTTTAGTAGAGATGGGGTTTCACCATGTTGGTCAGGCTGGTCTCGAACTCCTGGC[T>C]TCATGATCCATCTGGCTTGGCCTCCCAAAGTGCTGGGATTACAGGCGTGAGCCACCGTGA-3'